The following is an entry in ClinVar:

ClinVar aggregate classification (germline): Likely benign. Review status: reviewed by expert panel (3 of 4 stars). 4 submissions from 4 submitters: Likely benign (1). 3 of the submissions do not count toward it. Last evaluated 2022-02-11.

Conditions:
Overgrowth syndrome and/or cerebral malformations due to abnormalities in MTOR pathway genes. Identifiers: MedGen CN300503, MONDO:0100283.
Inborn genetic diseases. Identifiers: MedGen C0950123, MeSH D030342.
Cowden syndrome (CS). Also called: Cowden's disease; Cowden's syndrome; Cowden disease. Identifiers: Orphanet 201, MedGen C0018553, MONDO:0016063. Disease mechanism: gain of function.

Allele frequency attached by ClinVar (database versions not stated): ExAC 0.00001; gnomAD exomes 0.00001 and 0.00002; gnomAD 0.00003 and 0.00004; TOPMed 0.00003.
gnomAD v4.1: 40 of 1,612,688 alleles (0.0025%); highest among the groups gnomAD compares: Non-Finnish European, 0.0032%; no homozygotes.

Submissions (4):

ClinGen Brain Malformations Variant Curation Expert Panel
Classification: Likely benign for Overgrowth syndrome and/or cerebral malformations due to abnormalities in MTOR pathway genes. Last evaluated: 2022-02-11. Review status: reviewed by expert panel. Criteria: ClinGen BrainMalform ACMG Specifications v1. Collection method: curation. Allele origin: germline. Inheritance: Autosomal dominant inheritance.
Comment: The NM_006218.4(PIK3CA): c.2040T>C (p.Val680=) variant is a synonymous (silent) variant that occurs at a nucleotide that is not conserved according to a PhyloP <0.1 (BP7). The results from in silico splicing predictors MaxEntScan, spliceAI and varSEAK support that this variant does not affect splicing (BP4). In summary, this variant meets the criteria to be classified as Likely benign for mosaic autosomal dominant overgrowth with or without cerebral malformations due to abnormalities in MTOR-pathway genes based on the ACMG/AMP criteria applied, as specified by the ClinGen Brain Malformations Expert Panel: BP4, BP7; -2 points (VCEP specifications version 1; Approved: 1/31/2021)

Labcorp Genetics (formerly Invitae), Labcorp
Classification: Likely benign for Cowden syndrome. Last evaluated: 2025-08-18. Review status: criteria provided, single submitter. Criteria: Invitae Variant Classification Sherloc (09022015). Collection method: clinical testing. Allele origin: germline. Not counted in ClinVar's aggregate classification.

Blueprint Genetics
Classification: Likely benign. Last evaluated: 2024-10-07. Review status: criteria provided, single submitter. Criteria: ACMG Guidelines, 2015. Collection method: clinical testing. Allele origin: germline. Not counted in ClinVar's aggregate classification.

Ambry Genetics
Classification: Likely benign for Inborn genetic diseases. Last evaluated: 2022-03-16. Review status: criteria provided, single submitter. Criteria: Ambry Variant Classification Scheme 2023. Collection method: clinical testing. Allele origin: germline. Not counted in ClinVar's aggregate classification.

NM_006218.4(PIK3CA):c.2040T>C (p.Val680=)

Gene: PIK3CA (phosphatidylinositol-4,5-bisphosphate 3-kinase catalytic subunit alpha; plus strand). Cytogenetic location: 3q26.32.
Variant type: single nucleotide variant.
Coding change: c.2040T>C on transcript NM_006218.4 (MANE Select); coding-DNA position 2040, T replaced by C.
Protein change: p.Val680=; no amino-acid change (valine 680 retained).
Molecular consequence: synonymous variant.
Genome position (GRCh38, 1-based): chr3:179,221,010, T>C. VCF-style: chr3-179221010-T-C. GRCh37 (hg19) VCF-style: chr3-178938798-T-C.
Other names: NM_006218.4(PIK3CA):c.2040T>C; p.Val680=; c.2040T>C (LRG_310t1).
Identifiers: ClinVar variation 456534 (VCV000456534.19), dbSNP rs201402676, ClinGen allele CA2710873.
Genomic context (GRCh38, chr3:179,221,010, plus strand): 5'-TATATATATATTTTTAATTTTGCACGATTCTTTTAGATCTGAGATGCACAATAAAACAGT[T>C]AGCCAGAGGTTTGGCCTGCTTTTGGAGTCCTATTGTCGTGCATGTGGGATGTATTTGAAG-3'
Protein context (NP_006209.2, residues 670-690): HLKSEMHNKT[Val680=]SQRFGLLLES